The following is an entry in ClinVar:

NM_001173990.3(TMEM216):c.137-2A>G

Gene: TMEM216 (transmembrane protein 216; plus strand). Cytogenetic location: 11q12.2.
Variant type: single nucleotide variant.
Coding change: c.137-2A>G on transcript NM_001173990.3 (MANE Select); the canonical splice acceptor site of the intron before coding-DNA position 137, A replaced by G.
Molecular consequence: splice acceptor variant.
Genome position (GRCh38, 1-based): chr11:61,393,882, A>G. VCF-style: chr11-61393882-A-G. GRCh37 (hg19) VCF-style: chr11-61161354-A-G.
Other names: c.-47-2A>G (NM_016499.6, NM_001330285.2); c.137-2A>G (NM_001173991.3).
Identifiers: ClinVar variation 1066361 (VCV001066361.8), dbSNP rs1858735439, ClinGen allele CA380685014.

ClinVar aggregate classification (germline): Likely pathogenic. Review status: criteria provided, multiple submitters, no conflicts (2 of 4 stars). 2 submissions from 2 submitters: Likely pathogenic (2). Last evaluated 2024-03-07.

Conditions:
Joubert syndrome 2 (JBTS2). Also called: CEREBELLOOCULORENAL SYNDROME 2. Identifiers: Orphanet 2318, MedGen C1842577, MONDO:0011963, OMIM 608091.
Joubert syndrome. Also called: Familial aplasia of the vermis; CEREBELLOPARENCHYMAL DISORDER IV; JOUBERT-BOLTSHAUSER SYNDROME. Identifiers: Orphanet 475, MedGen C5979921, MONDO:0018772.

Submissions (2):

Baylor Genetics
Classification: Likely pathogenic for Joubert syndrome 2. Last evaluated: 2024-03-07. Review status: criteria provided, single submitter. Criteria: ACMG Guidelines, 2015. Collection method: clinical testing. Allele origin: unknown.

Labcorp Genetics (formerly Invitae), Labcorp
Classification: Likely pathogenic for Joubert syndrome. Last evaluated: 2020-05-08. Review status: criteria provided, single submitter. Criteria: Invitae Variant Classification Sherloc (09022015). Collection method: clinical testing. Allele origin: germline.
Comment: This sequence change affects an acceptor splice site in intron 2 of the TMEM216 gene. It is expected to disrupt RNA splicing and likely results in an absent or disrupted protein product. This variant is not present in population databases (ExAC no frequency). In summary, the currently available evidence indicates that the variant is pathogenic, but additional data are needed to prove that conclusively. Therefore, this variant has been classified as Likely Pathogenic. Donor and acceptor splice site variants typically lead to a loss of protein function (PMID: 16199547), and loss-of-function variants in TMEM216 are known to be pathogenic (PMID: 20512146). Algorithms developed to predict the effect of sequence changes on RNA splicing suggest that this variant may disrupt the consensus splice site, but this prediction has not been confirmed by published transcriptional studies. This variant has not been reported in the literature in individuals with TMEM216-related conditions.

Literature cited by the submitters: PubMed 16199547 (cited by Labcorp Genetics (formerly Invitae), Labcorp); PubMed 20512146 (cited by Labcorp Genetics (formerly Invitae), Labcorp).